The following is an entry in ClinVar:

NM_001127222.2(CACNA1A):c.4951-5C>A

Gene: CACNA1A (calcium voltage-gated channel subunit alpha1 A; minus strand). Cytogenetic location: 19p13.13.
Variant type: single nucleotide variant.
Coding change: c.4951-5C>A on transcript NM_001127222.2 (MANE Select); 5 bases into the intron before coding-DNA position 4951, C replaced by A.
Molecular consequence: intron variant.
Genome position (GRCh38, 1-based): chr19:13,235,735, G>T on the plus strand (C>A on the coding strand, the complement: CACNA1A is on the minus strand). VCF-style: chr19-13235735-G-T. GRCh37 (hg19) VCF-style: chr19-13346549-G-T.
Other names: c.4954-5C>A (NM_001127221.2); c.4960-5C>A (NM_001174080.2); c.4969-5C>A (NM_000068.4, NM_023035.3).
Identifiers: ClinVar variation 2936111 (VCV002936111.3), dbSNP rs2055852072, ClinGen allele CA2323795796.

ClinVar aggregate classification (germline): Uncertain significance (1 of 4 stars; one submission).

Conditions:
Episodic ataxia type 2 (EA2). Also called: CEREBELLAR ATAXIA, PAROXYSMAL, ACETAZOLAMIDE-RESPONSIVE; CEREBELLOPATHY, HEREDITARY PAROXYSMAL; EPISODIC ATAXIA, NYSTAGMUS-ASSOCIATED; ACETAZOLAMIDE-RESPONSIVE HEREDITARY PAROXYSMAL CEREBELLAR ATAXIA; ATAXIA, EPISODIC, WITH NYSTAGMUS; ATAXIA, FAMILIAL PAROXYSMAL. Identifiers: Orphanet 97, MedGen C1720416, MONDO:0007163, OMIM 108500.
Developmental and epileptic encephalopathy, 42 (DEE42A). Also called: Epileptic encephalopathy, early infantile, 42; DEVELOPMENTAL AND EPILEPTIC ENCEPHALOPATHY 42A; EPILEPTIC ENCEPHALOPATHY, EARLY INFANTILE, 42A. Identifiers: MedGen C4310716, MONDO:0014917, OMIM 617106.

Submission:

Labcorp Genetics (formerly Invitae), Labcorp
Classification: Uncertain significance for Developmental and epileptic encephalopathy, 42; Episodic ataxia type 2. Last evaluated: 2023-09-11. Review status: criteria provided, single submitter. Criteria: Invitae Variant Classification Sherloc (09022015). Collection method: clinical testing. Allele origin: germline.
Comment: This sequence change falls in intron 31 of the CACNA1A gene. It does not directly change the encoded amino acid sequence of the CACNA1A protein. This variant is not present in population databases (gnomAD no frequency). This variant has not been reported in the literature in individuals affected with CACNA1A-related conditions. Algorithms developed to predict the effect of sequence changes on RNA splicing suggest that this variant may create or strengthen a splice site. In summary, the available evidence is currently insufficient to determine the role of this variant in disease. Therefore, it has been classified as a Variant of Uncertain Significance.